The following is an entry in ClinVar:

NM_001999.4(FBN2):c.1543T>A (p.Ser515Thr)

Gene: FBN2 (fibrillin 2; minus strand). Cytogenetic location: 5q23.3.
Variant type: single nucleotide variant.
Coding change: c.1543T>A on transcript NM_001999.4 (MANE Select); coding-DNA position 1543, T replaced by A.
Protein change: p.Ser515Thr; replaces serine 515 with threonine.
Molecular consequence: missense variant.
Genome position (GRCh38, 1-based): chr5:128,392,078, A>T on the plus strand (T>A on the coding strand, the complement: FBN2 is on the minus strand). VCF-style: chr5-128392078-A-T. GRCh37 (hg19) VCF-style: chr5-127727771-A-T.
Other names: short protein forms S515T.
Identifiers: ClinVar variation 213275 (VCV000213275.28), dbSNP rs528255772, ClinGen allele CA323681.

ClinVar aggregate classification (germline): Conflicting classifications of pathogenicity. Review status: criteria provided, conflicting classifications (1 of 4 stars). 7 submissions from 7 submitters: Uncertain significance (1); Benign (2); Likely benign (4). Last evaluated 2026-08-26.

Conditions:
FBN2-related disorder. Also called: FBN2-related condition.
Ehlers-Danlos syndrome (EDS). Identifiers: Orphanet 98249, MedGen C0013720, MONDO:0020066.
Familial thoracic aortic aneurysm and aortic dissection (TAAD). Also called: Thoracic aortic aneurysms and dissections. Identifiers: Orphanet 91387, MedGen C4707243, MONDO:0019625.
Congenital contractural arachnodactyly (CCA). Also called: BEALS SYNDROME; Beals-Hecht syndrome; Arthrogryposis, distal, type 9. Identifiers: Orphanet 115, MedGen C0220668, MONDO:0007363, OMIM 121050.

Allele frequency attached by ClinVar (database versions not stated): gnomAD exomes 0.00006 and 0.00017; ExAC 0.00019; 1000 Genomes Project 30x 0.00031; 1000 Genomes Project 0.00040; gnomAD below 0.00001 and 0.00004; TOPMed below 0.00001.
gnomAD v4.1: 106 of 1,613,722 alleles (0.0066%); highest among the groups gnomAD compares: South Asian, 0.11%; 1 homozygote.

Submissions (7):

PreventionGenetics, part of Exact Sciences
Classification: Likely benign for FBN2-related condition. Last evaluated: 2026-08-26. Review status: criteria provided, single submitter. Criteria: ACMG Guidelines, 2015. Collection method: clinical testing. Allele origin: germline.
Comment: This variant is classified as likely benign based on ACMG/AMP sequence variant interpretation guidelines (Richards et al. 2015 PMID: 25741868, with internal and published modifications).

Labcorp Genetics (formerly Invitae), Labcorp
Classification: Likely benign for Congenital contractural arachnodactyly. Last evaluated: 2025-12-23. Review status: criteria provided, single submitter. Criteria: Invitae Variant Classification Sherloc (09022015). Collection method: clinical testing. Allele origin: germline.

Ambry Genetics
Classification: Benign for Familial thoracic aortic aneurysm and aortic dissection. Last evaluated: 2024-06-20. Review status: criteria provided, single submitter. Criteria: Ambry Variant Classification Scheme 2023. Collection method: clinical testing. Allele origin: germline.

Blueprint Genetics
Classification: Likely benign. Last evaluated: 2023-10-02. Review status: criteria provided, single submitter. Criteria: ACMG Guidelines, 2015. Collection method: clinical testing. Allele origin: germline.

ARUP Laboratories, Molecular Genetics and Genomics, ARUP Laboratories
Classification: Likely benign. Last evaluated: 2020-04-14. Review status: criteria provided, single submitter. Criteria: ARUP Molecular Germline Variant Investigation Process. Collection method: clinical testing. Allele origin: germline.

Genome Diagnostics Laboratory, The Hospital for Sick Children
Classification: Benign for Ehlers-Danlos syndrome. Last evaluated: 2019-05-01. Review status: criteria provided, single submitter. Criteria: ACMG Guidelines, 2015. Collection method: clinical testing. Allele origin: germline.

GeneDx
Classification: Uncertain significance. Last evaluated: 2015-04-15. Review status: criteria provided, single submitter. Criteria: GeneDx Variant Classification (06012015). Collection method: clinical testing. Allele origin: germline. Affected: yes.
Comment: p.Ser515Thr (S515T) TCA>ACA: c.1543 T>A in exon 11 of the FBN2 gene (NM_001999.3) The S515T variant has not been published as a mutation, nor has it been reported as a benign polymorphism to our knowledge. This substitution occurs at a position that is conserved through mammals. The S515T variant was not observed in approximately 6500 individuals of European and African American ancestry in the NHLBI Exome Sequencing Project, indicating it is not a common benign variant in these populations. However, the 1000 Genomes Project reports S515T was observed in 2/974 (0.2%) alleles from individuals of South Asian background, indicating it may be a rare (benign) variant in this population. The S515T variant is a conservative amino acid substitution, which is not likely to impact secondary protein structure as these residues share similar properties. In silico analysis predicts this variant likely does not alter the protein structure/function. Additionally, no mutations in nearby residues have been reported in association with an FBN2-related disorder, suggesting this region of the protein may be tolerant of change. Finally, the S515T variant does not affect a Cysteine residue within a calcium-binding EGF-like domain of the FBN2 gene. Cysteine substitutions in the calcium-binding EGF-like domains represent the majority of pathogenic missense changes associated with congenital arachnodactyly (Collod-Beroud et al., 2003). Therefore, based on the currently available information, it is unclear whether this variant is a pathogenic mutation or a rare benign variant. This variant was found in TAADV2-1